The following is an entry in ClinVar:

ClinVar aggregate classification (germline): Likely benign (1 of 4 stars; one submission).

Allele frequency attached by ClinVar (database versions not stated): 1000 Genomes Project 0.00260; 1000 Genomes Project 30x 0.00328; TOPMed 0.00557; gnomAD 0.00584; ESP Exome Variant Server 0.00652; ExAC 0.00962.
gnomAD v4.1: 10,124 of 1,561,738 alleles (0.65%); highest among the groups gnomAD compares: Non-Finnish European, 0.75%; 55 homozygotes.

Submission:

CeGaT Center for Human Genetics Tuebingen
Classification: Likely benign. Last evaluated: 2026-08-01. Review status: criteria provided, single submitter. Criteria: CeGaT Center For Human Genetics Tuebingen Variant Classification Criteria Version 2. Collection method: clinical testing. Allele origin: germline. Affected: yes. Observed: 8 variant alleles.
Comment: NEK10: BS2

NM_001394966.1(NEK10):c.1094G>A (p.Arg365Gln)

Gene: NEK10 (NIMA related kinase 10; minus strand). Cytogenetic location: 3p24.1.
Variant type: single nucleotide variant.
Coding change: c.1094G>A on transcript NM_001394966.1 (MANE Select); coding-DNA position 1094, G replaced by A.
Protein change: p.Arg365Gln; replaces arginine 365 with glutamine.
Molecular consequence: missense variant.
Genome position (GRCh38, 1-based): chr3:27,301,770, C>T on the plus strand (G>A on the coding strand, the complement: NEK10 is on the minus strand). VCF-style: chr3-27301770-C-T. GRCh37 (hg19) VCF-style: chr3-27343261-C-T.
Other names: c.1094G>A, p.Arg365Gln (NM_001394963.1, NM_001394965.1, NM_001394968.1 and 4 more transcripts); c.1007G>A, p.Arg336Gln (NM_001394964.1, NM_001394967.1, NM_001394969.1); short protein forms R336Q, R365Q.
Identifiers: ClinVar variation 2653635 (VCV002653635.24), dbSNP rs75891446, ClinGen allele CA2290983.
Genomic context (GRCh38, chr3:27,301,770, plus strand): 5'-AAAGTATTTTCTTGTATTTCCCTAGGGCTCAAGTCTTCTGATAAATGAAGCTGCTGGATT[C>T]GGCCTGCAGCATTTGCACTGGACAGGCTTCCAATGGAGGAGTGATCAGAAACAAAATTTC-3'
Protein context (NP_001381895.1, residues 355-375): GSLSSANAAG[Arg365Gln]IQQLHLSEDL